The following is an entry in ClinVar:

NM_000090.4(COL3A1):c.1063C>T (p.Pro355Ser)

Gene: COL3A1 (collagen type III alpha 1 chain; plus strand). Cytogenetic location: 2q32.2.
Variant type: single nucleotide variant.
Coding change: c.1063C>T on transcript NM_000090.4 (MANE Select); coding-DNA position 1063, C replaced by T.
Protein change: p.Pro355Ser; replaces proline 355 with serine.
Molecular consequence: missense variant.
Genome position (GRCh38, 1-based): chr2:188,993,373, C>T. VCF-style: chr2-188993373-C-T. GRCh37 (hg19) VCF-style: chr2-189858099-C-T.
Other names: short protein forms P355S.
Identifiers: ClinVar variation 4680942 (VCV004680942.1).

ClinVar aggregate classification (germline): Uncertain significance (1 of 4 stars; one submission).

gnomAD v4.1: 3 of 1,569,742 alleles (0.00019%); highest among the groups gnomAD compares: East Asian, 0.0047%; no homozygotes.

Submission:

GeneDx
Classification: Uncertain significance. Last evaluated: 2025-06-30. Review status: criteria provided, single submitter. Criteria: GeneDx Variant Classification Process June 2021. Collection method: clinical testing. Allele origin: germline. Affected: yes.
Comment: Not observed at significant frequency in large population cohorts (gnomAD); In silico analysis supports that this missense variant has a deleterious effect on protein structure/function; Has not been previously published as pathogenic or benign to our knowledge; Occurs in the triple helical domain at the X position in the canonical Gly-X-Y repeat; although this variant may have an effect on normal protein folding and function, missense substitution at the X position is not a common mechanism of disease (HGMD)